The following is an entry in ClinVar:

ClinVar aggregate classification (germline): Uncertain significance (1 of 4 stars; one submission).

Submission:

GeneDx
Classification: Uncertain significance. Last evaluated: 2024-04-01. Review status: criteria provided, single submitter. Criteria: GeneDx Variant Classification Process June 2021. Collection method: clinical testing. Allele origin: germline. Affected: yes.
Comment: Not observed at significant frequency in large population cohorts (gnomAD); Frameshift variant predicted to result in protein truncation or nonsense mediated decay in a gene for which loss-of-function is not an established mechanism of disease; Has not been previously published as pathogenic or benign to our knowledge

NM_030662.3(MAP2K2):c.93_114del

Gene: MAP2K2 (mitogen-activated protein kinase kinase 2; minus strand). Cytogenetic location: 19p13.3.
Variant type: Deletion.
Coding change: c.93_114del on transcript NM_030662.3; coding-DNA positions 93 to 114, 22 bases deleted (GGCAAACCTGGTGGACCTGCAG).
Genome position (GRCh38, 1-based): chr19:4,117,608-4,117,629, CTGCAGGTCCACCAGGTTTGCC deleted on the plus strand (GGCAAACCTGGTGGACCTGCAG on the coding strand, the reverse complement: MAP2K2 is on the minus strand); deleting any 22 consecutive bases within chr19:4,117,608-4,117,635 gives the same sequence; the c. name uses the placement nearest the transcript's 3' end. VCF-style (leftmost placement, unchanged base first): chr19-4117607-TCTGCAGGTCCACCAGGTTTGCC-T. GRCh37 (hg19) VCF-style: chr19-4117605-TCTGCAGGTCCACCAGGTTTGCC-T.
Identifiers: ClinVar variation 3371939 (VCV003371939.1).